The following is an entry in ClinVar:

ClinVar aggregate classification (germline): Uncertain significance (1 of 4 stars; one submission).

gnomAD v4.1: 2 of 1,582,948 alleles (0.00013%); highest among the groups gnomAD compares: African/African-American, 0.0027%; no homozygotes.

Submission:

Labcorp Genetics (formerly Invitae), Labcorp
Classification: Uncertain significance. Last evaluated: 2025-01-29. Review status: criteria provided, single submitter. Criteria: Invitae Variant Classification Sherloc (09022015). Collection method: clinical testing. Allele origin: germline.
Comment: This sequence change replaces serine, which is neutral and polar, with cysteine, which is neutral and slightly polar, at codon 1450 of the RIMS1 protein (p.Ser1450Cys). This variant is present in population databases (no rsID available, gnomAD 0.01%). This variant has not been reported in the literature in individuals affected with RIMS1-related conditions. An algorithm developed to predict the effect of missense changes on protein structure and function (PolyPhen-2) suggests that this variant is likely to be disruptive. In summary, the available evidence is currently insufficient to determine the role of this variant in disease. Therefore, it has been classified as a Variant of Uncertain Significance.

NM_014989.7(RIMS1):c.4349C>G (p.Ser1450Cys)

Gene: RIMS1 (regulating synaptic membrane exocytosis 1; plus strand). Cytogenetic location: 6q13.
Variant type: single nucleotide variant.
Coding change: c.4349C>G on transcript NM_014989.7 (MANE Select); coding-DNA position 4349, C replaced by G.
Protein change: p.Ser1450Cys; replaces serine 1450 with cysteine.
Molecular consequence: missense variant. On other transcripts: intron variant (24).
Genome position (GRCh38, 1-based): chr6:72,333,818, C>G. VCF-style: chr6-72333818-C-G. GRCh37 (hg19) VCF-style: chr6-73043521-C-G.
Other names: c.2309C>G, p.Ser770Cys (NM_001168407.2); c.2270C>G, p.Ser757Cys (NM_001350414.2); c.2366C>G, p.Ser789Cys (NM_001350415.2); c.2315C>G, p.Ser772Cys (NM_001350416.2); c.2288C>G, p.Ser763Cys (NM_001350418.2); c.2423C>G, p.Ser808Cys (NM_001350420.2); c.2168C>G, p.Ser723Cys (NM_001350421.2); c.2057C>G, p.Ser686Cys (NM_001350423.2); and 53 more; short protein forms S665C, S686C, S690C, S717C, S723C, S740C, S751C, S756C.
Identifiers: ClinVar variation 3632606 (VCV003632606.2).